The following is an entry in ClinVar:

ClinVar aggregate classification (germline): Uncertain significance. Review status: criteria provided, multiple submitters, no conflicts (2 of 4 stars). 3 submissions from 3 submitters: Uncertain significance (3). Last evaluated 2025-04-29.

Conditions:
Inborn genetic diseases. Identifiers: MedGen C0950123, MeSH D030342.
Epilepsy, X-linked 1, with variable learning disabilities and behavior disorders. Also called: X-linked epilepsy-learning disabilities-behavior disorders syndrome. Identifiers: Orphanet 85294, MedGen C5774177, MONDO:0010339, OMIM 300491.

Allele frequency attached by ClinVar (database versions not stated): gnomAD exomes below 0.00001 and 0.00001; gnomAD 0.00001; TOPMed 0.00002.
gnomAD v4.1: 2 of 1,210,241 alleles (0.00017%); highest among the groups gnomAD compares: Admixed American, 0.0044%; no homozygotes.

Submissions (3):

GeneDx
Classification: Uncertain significance. Last evaluated: 2025-04-29. Review status: criteria provided, single submitter. Criteria: GeneDx Variant Classification Process June 2021. Collection method: clinical testing. Allele origin: germline. Affected: yes.
Comment: Not observed at significant frequency in large population cohorts (gnomAD); In silico analysis supports that this missense variant has a deleterious effect on protein structure/function; Has not been previously published as pathogenic or benign to our knowledge

Ambry Genetics
Classification: Uncertain significance for Inborn genetic diseases. Last evaluated: 2025-04-14. Review status: criteria provided, single submitter. Criteria: Ambry Variant Classification Scheme 2023. Collection method: clinical testing. Allele origin: germline.

Labcorp Genetics (formerly Invitae), Labcorp
Classification: Uncertain significance for Epilepsy, X-linked 1, with variable learning disabilities and behavior disorders. Last evaluated: 2022-09-13. Review status: criteria provided, single submitter. Criteria: Invitae Variant Classification Sherloc (09022015). Collection method: clinical testing. Allele origin: germline.
Comment: This variant has not been reported in the literature in individuals affected with SYN1-related conditions. This variant is present in population databases (no rsID available, gnomAD 0.004%). This sequence change replaces glycine, which is neutral and non-polar, with alanine, which is neutral and non-polar, at codon 320 of the SYN1 protein (p.Gly320Ala). ClinVar contains an entry for this variant (Variation ID: 1481034). In summary, the available evidence is currently insufficient to determine the role of this variant in disease. Therefore, it has been classified as a Variant of Uncertain Significance. Algorithms developed to predict the effect of missense changes on protein structure and function are either unavailable or do not agree on the potential impact of this missense change (SIFT: "Deleterious"; PolyPhen-2: "Benign"; Align-GVGD: "Class C0").

NM_006950.3(SYN1):c.959G>C (p.Gly320Ala)

Gene: SYN1 (synapsin I; minus strand). Cytogenetic location: Xp11.3.
Variant type: single nucleotide variant.
Coding change: c.959G>C on transcript NM_006950.3 (MANE Select); coding-DNA position 959, G replaced by C.
Protein change: p.Gly320Ala; replaces glycine 320 with alanine.
Molecular consequence: missense variant.
Genome position (GRCh38, 1-based): chrX:47,576,519, C>G on the plus strand (G>C on the coding strand, the complement: SYN1 is on the minus strand). VCF-style: chrX-47576519-C-G. GRCh37 (hg19) VCF-style: chrX-47435918-C-G.
Other names: c.959G>C, p.Gly320Ala (NM_133499.2); short protein forms G320A.
Identifiers: ClinVar variation 1481034 (VCV001481034.9), dbSNP rs1356850744, ClinGen allele CA412826932.